The following is an entry in ClinVar:

NM_005033.3(EXOSC9):c.1227_1230dup (p.Ile411fs)

Gene: EXOSC9 (exosome component 9; plus strand). Cytogenetic location: 4q27.
Variant type: Duplication.
Coding change: c.1227_1230dup on transcript NM_005033.3 (MANE Select); coding-DNA positions 1227 to 1230, 4 bases duplicated (GAAA; older notation c.1227_1230dupGAAA).
Protein change: p.Ile411fs; shifts the reading frame from isoleucine 411.
Molecular consequence: frameshift variant.
Genome position (GRCh38, 1-based): chr4:121,816,439-121,816,442, GAAA duplicated; duplicating any 4 consecutive bases within chr4:121,816,436-121,816,442 gives the same sequence; the c. name uses the placement nearest the transcript's 3' end. VCF-style (leftmost placement, unchanged base first): chr4-121816435-C-CAAAG. GRCh37 (hg19) VCF-style: chr4-122737590-C-CAAAG.
Other names: c.1278_1281dup, p.Ile428fs (NM_001034194.2); short protein forms I428fs, I411fs.
Identifiers: ClinVar variation 1481044 (VCV001481044.3), dbSNP rs759463605, ClinGen allele CA3063687.

ClinVar aggregate classification (germline): Uncertain significance (1 of 4 stars; one submission).

Submission:

Labcorp Genetics (formerly Invitae), Labcorp
Classification: Uncertain significance. Last evaluated: 2022-10-26. Review status: criteria provided, single submitter. Criteria: Invitae Variant Classification Sherloc (09022015). Collection method: clinical testing. Allele origin: germline.
Comment: This sequence change creates a premature translational stop signal (p.Ile428Glufs*17) in the EXOSC9 gene. While this is not anticipated to result in nonsense mediated decay, it is expected to disrupt the last 29 amino acid(s) of the EXOSC9 protein. This variant is present in population databases (rs759463605, gnomAD 0.01%). This variant has not been reported in the literature in individuals affected with EXOSC9-related conditions. ClinVar contains an entry for this variant (Variation ID: 1481044). Experimental studies and prediction algorithms are not available or were not evaluated, and the functional significance of this variant is currently unknown. In summary, the available evidence is currently insufficient to determine the role of this variant in disease. Therefore, it has been classified as a Variant of Uncertain Significance.